The following is an entry in ClinVar:

ClinVar aggregate classification (germline): Likely pathogenic. Review status: criteria provided, multiple submitters, no conflicts (2 of 4 stars). 3 submissions from 3 submitters: Likely pathogenic (3). Last evaluated 2021-04-23.

Conditions:
Cohen syndrome (COH1). Also called: PEPPER SYNDROME; Cutis verticis gyrata, retinitis pigmentosa, and sensorineural deafness. Identifiers: Orphanet 193, MedGen C0265223, MONDO:0008999, OMIM 216550.

Submissions (3):

Revvity Omics, Revvity
Classification: Likely pathogenic for Cohen syndrome. Last evaluated: 2021-04-23. Review status: criteria provided, single submitter. Criteria: ACMG Guidelines, 2015. Collection method: clinical testing. Allele origin: germline.

Breakthrough Genomics
Classification: Likely pathogenic for Cohen syndrome. Last evaluated: 2020-04-11. Review status: criteria provided, single submitter. Criteria: ACMG Guidelines, 2015. Collection method: clinical testing. Allele origin: germline. Affected: yes.
Comment: This variant is predicted to cause a premature termination of the protein (p.Gln1632Ter) and this will likely result in loss-of-function (LOF). LOF is a known mechanism for the causing the disease in VPS13B gene. Due to the introduction of a premature stop codon, this aberrant transcript will likely be targeted by the nonsense-mediated mRNA decay (NMD) mechanism [PMID: 15040442]. This variant has not been previously reported in the literature and in the population databases. However in ClinVar database, several other nonsense variants lying downstream of the variant, have been previously reported as pathogenic in the context of Cohen syndrome.

Hadassah Hebrew University Medical Center
Classification: Likely pathogenic for Cohen syndrome. Last evaluated: 2019-06-20. Review status: criteria provided, single submitter. Criteria: ACMG Guidelines, 2015. Collection method: clinical testing. Allele origin: germline. Inheritance: Autosomal recessive inheritance. Affected: yes.

NM_152564.5(VPS13B):c.4819C>T (p.Gln1607Ter)

Gene: VPS13B (vacuolar protein sorting 13 homolog B; plus strand). Cytogenetic location: 8q22.2.
Variant type: single nucleotide variant.
Coding change: c.4819C>T on transcript NM_152564.5 (MANE Select); coding-DNA position 4819, C replaced by T.
Protein change: p.Gln1607Ter; replaces glutamine 1607 with a stop codon.
Molecular consequence: nonsense.
Genome position (GRCh38, 1-based): chr8:99,556,523, C>T. VCF-style: chr8-99556523-C-T. GRCh37 (hg19) VCF-style: chr8-100568751-C-T.
Other names: p.Gln1632Ter; c.4894C>T, p.Gln1632Ter (NM_017890.5); short protein forms Q1607*, Q1632*.
Identifiers: ClinVar variation 804411 (VCV000804411.8), dbSNP rs1588491546, ClinGen allele CA371869131.